The following is an entry in ClinVar:

NM_007294.4(BRCA1):c.5004T>C (p.Phe1668=)

Gene: BRCA1 (BRCA1 DNA repair associated; minus strand). Cytogenetic location: 17q21.31.
Variant type: single nucleotide variant.
Coding change: c.5004T>C on transcript NM_007294.4 (MANE Select); coding-DNA position 5004, T replaced by C.
Protein change: p.Phe1668=; no amino-acid change (phenylalanine 1668 retained).
Molecular consequence: synonymous variant. On other transcripts: intron variant (1).
Genome position (GRCh38, 1-based): chr17:43,067,678, A>G on the plus strand (T>C on the coding strand, the complement: BRCA1 is on the minus strand). VCF-style: chr17-43067678-A-G. GRCh37 (hg19) VCF-style: chr17-41219695-A-G.
Other names: c.4734T>C, p.Phe1578= (NM_001407934.1, NM_001407935.1, NM_001407936.1); c.4881T>C, p.Phe1627= (NM_001407937.1, NM_001407938.1, NM_001407664.1 and 6 more transcripts); c.4878T>C, p.Phe1626= (NM_001407939.1, NM_001407940.1, NM_001407670.1 and 11 more transcripts); c.4875T>C, p.Phe1625= (NM_001407941.1, NM_001407681.1, NM_001407682.1 and 6 more transcripts); c.4863T>C, p.Phe1621= (NM_001407942.1, NM_007297.4, NM_001407692.1 and 13 more transcripts); c.4860T>C, p.Phe1620= (NM_001407943.1, NM_001407944.1, NM_001407945.1 and 21 more transcripts); c.4671T>C, p.Phe1557= (NM_001407946.1, NM_001407947.1, NM_001407948.1 and 1 more transcripts); c.4668T>C, p.Phe1556= (NM_001407950.1, NM_001407951.1, NM_001407952.1 and 3 more transcripts); and 71 more.
Identifiers: ClinVar variation 868915 (VCV000868915.3), dbSNP rs2052185251, ClinGen allele CA500146388.

Conditions:
Breast-ovarian cancer, familial, susceptibility to, 1 (BROVCA1). Also called: BRCA1 Hereditary Breast and Ovarian Cancer; OVARIAN CANCER, SUSCEPTIBILITY TO. Identifiers: Orphanet 145, MedGen C2676676, MONDO:0011450, OMIM 604370. Disease mechanism: loss of function.

Submission:

Brotman Baty Institute, University of Washington
No classification provided (evidence only). Condition: Breast-ovarian cancer, familial 1. Review status: no classification provided. Collection method: in vitro. Allele origin: not applicable. Functional consequence: functionally_normal.
ClinVar note: "not provided" was previously submitted as the classification for the variant. However, the classification appeared to be based only on an observation of functional data so it was converted to no classification on 2025-07-30.